The following is an entry in ClinVar:

ClinVar aggregate classification (germline): Pathogenic (1 of 4 stars; one submission).

Submission:

Labcorp Genetics (formerly Invitae), Labcorp
Classification: Pathogenic. Last evaluated: 2025-09-09. Review status: criteria provided, single submitter. Criteria: Invitae Variant Classification Sherloc (09022015). Collection method: clinical testing. Allele origin: germline.
Comment: This sequence change creates a premature translational stop signal (p.Val1013Cysfs*16) in the CDK5RAP2 gene. It is expected to result in an absent or disrupted protein product. Loss-of-function variants in CDK5RAP2 are known to be pathogenic (PMID: 15793586, 20460369, 26436113). This variant is not present in population databases (gnomAD no frequency). This variant has not been reported in the literature in individuals affected with CDK5RAP2-related conditions. For these reasons, this variant has been classified as Pathogenic.

Literature cited by the submitters: PubMed 15793586; PubMed 20460369; PubMed 26436113.

NM_018249.6(CDK5RAP2):c.3035dup (p.Val1013fs)

Gene: CDK5RAP2 (CDK5 regulatory subunit associated protein 2; minus strand). Cytogenetic location: 9q33.2.
Variant type: Duplication.
Coding change: c.3035dup on transcript NM_018249.6 (MANE Select); coding-DNA position 3035, one base duplicated (C; older notation c.3035dupC).
Protein change: p.Val1013fs; shifts the reading frame from valine 1013.
Molecular consequence: frameshift variant. On other transcripts: non-coding transcript variant (5).
Genome position (GRCh38, 1-based): chr9:120,443,733, G duplicated on the plus strand (C on the coding strand, the reverse complement: CDK5RAP2 is on the minus strand); the first of 5 consecutive G bases (chr9:120,443,733-120,443,737); duplicating any one gives the same sequence. VCF-style (leftmost placement, unchanged base first): chr9-120443732-A-AG. GRCh37 (hg19) VCF-style: chr9-123206010-A-AG.
Other names: c.3035dup, p.Val1013fs (NM_001011649.3); c.2345dup, p.Val783fs (NM_001272039.2); c.2936dup, p.Val980fs (NM_001410992.1); c.2939dup, p.Val981fs (NM_001410993.1); c.3032dup, p.Val1012fs (NM_001410994.1); short protein forms V783fs, V981fs, V1012fs, V1013fs, V980fs.
Identifiers: ClinVar variation 4700803 (VCV004700803.1).
Genomic context (GRCh38, chr9:120,443,732, plus strand): 5'-AGAAGATGTGGTTTTAATTCCTTTCTGCTCTCCTGGGCTGTCCTGGTAGGCTGCTCCCAC[A>AG]GGGGGCTGAGCTACAGGCAATCACAAAGAGAAAGAAAAATAAATAAAACCGTAAGACCTG-3'